The following is an entry in ClinVar:

NM_001352514.2(HLCS):c.1480C>T (p.Pro494Ser)

Gene: HLCS (holocarboxylase synthetase; minus strand). Cytogenetic location: 21q22.13.
Variant type: single nucleotide variant.
Coding change: c.1480C>T on transcript NM_001352514.2 (MANE Select); coding-DNA position 1480, C replaced by T.
Protein change: p.Pro494Ser; replaces proline 494 with serine.
Molecular consequence: missense variant. On other transcripts: non-coding transcript variant (2).
Genome position (GRCh38, 1-based): chr21:36,930,391, G>A on the plus strand (C>T on the coding strand, the complement: HLCS is on the minus strand). VCF-style: chr21-36930391-G-A. GRCh37 (hg19) VCF-style: chr21-38302691-G-A.
Other names: c.1039C>T, p.Pro347Ser (NM_000411.8, NM_001242784.3, NM_001242785.2 and 4 more transcripts); short protein forms P347S, P494S.
Identifiers: ClinVar variation 847861 (VCV000847861.4), dbSNP rs556454789, ClinGen allele CA10020539.

ClinVar aggregate classification (germline): Uncertain significance. Review status: criteria provided, multiple submitters, no conflicts (2 of 4 stars). 3 submissions from 3 submitters: Uncertain significance (2). 1 of the submissions does not count toward it. Last evaluated 2022-06-24.

Conditions:
Holocarboxylase synthetase deficiency. Also called: MULTIPLE CARBOXYLASE DEFICIENCY, EARLY ONSET. Identifiers: Orphanet 79242, MedGen C0268581, MONDO:0009666, OMIM 253270.

Allele frequency attached by ClinVar (database versions not stated): gnomAD exomes 0.00001; ExAC 0.00002; gnomAD 0.00003; TOPMed 0.00003.
gnomAD v4.1: 33 of 1,614,048 alleles (0.002%); highest among the groups gnomAD compares: African/African-American, 0.019%; no homozygotes.

Submissions (3):

Labcorp Genetics (formerly Invitae), Labcorp
Classification: Uncertain significance for Holocarboxylase synthetase deficiency. Last evaluated: 2022-06-24. Review status: criteria provided, single submitter. Criteria: Invitae Variant Classification Sherloc (09022015). Collection method: clinical testing. Allele origin: germline.
Comment: This sequence change replaces proline, which is neutral and non-polar, with serine, which is neutral and polar, at codon 347 of the HLCS protein (p.Pro347Ser). This variant is present in population databases (rs556454789, gnomAD 0.002%). This variant has not been reported in the literature in individuals affected with HLCS-related conditions. ClinVar contains an entry for this variant (Variation ID: 847861). Advanced modeling of protein sequence and biophysical properties (such as structural, functional, and spatial information, amino acid conservation, physicochemical variation, residue mobility, and thermodynamic stability) performed at Invitae indicates that this missense variant is not expected to disrupt HLCS protein function. In summary, the available evidence is currently insufficient to determine the role of this variant in disease. Therefore, it has been classified as a Variant of Uncertain Significance.

Breakthrough Genomics
Classification: Uncertain significance. Review status: criteria provided, single submitter. Criteria: ACMG Guidelines, 2015. Collection method: not provided. Allele origin: germline. Inheritance: Autosomal dominant inheritance. Affected: yes.

Natera, Inc.
Classification: Uncertain significance for Holocarboxylase synthetase deficiency. Last evaluated: 2020-01-17. Review status: no assertion criteria provided. Collection method: clinical testing. Allele origin: germline. Not counted in ClinVar's aggregate classification.